The following is an entry in ClinVar:

NM_000492.4(CFTR):c.2026C>G (p.Pro676Ala)

Gene: CFTR (CF transmembrane conductance regulator; plus strand). Cytogenetic location: 7q31.2.
Variant type: single nucleotide variant.
Coding change: c.2026C>G on transcript NM_000492.4 (MANE Select); coding-DNA position 2026, C replaced by G.
Protein change: p.Pro676Ala; replaces proline 676 with alanine.
Molecular consequence: missense variant.
Genome position (GRCh38, 1-based): chr7:117,592,193, C>G. VCF-style: chr7-117592193-C-G. GRCh37 (hg19) VCF-style: chr7-117232247-C-G.
Other names: short protein forms P676A.
Identifiers: ClinVar variation 820539 (VCV000820539.14), dbSNP rs762888022, ClinGen allele CA4451129.
Genomic context (GRCh38, chr7:117,592,193, plus strand): 5'-GAAAGAAGAAATTCAATCCTAACTGAGACCTTACACCGTTTCTCATTAGAAGGAGATGCT[C>G]CTGTCTCCTGGACAGAAACAAAAAAACAATCTTTTAAACAGACTGGAGAGTTTGGGGAAA-3'
Protein context (NP_000483.3, residues 666-686): LHRFSLEGDA[Pro676Ala]VSWTETKKQS

ClinVar aggregate classification (germline): Conflicting classifications of pathogenicity. Review status: criteria provided, conflicting classifications (1 of 4 stars). 4 submissions from 4 submitters: Uncertain significance (3); Likely benign (1). Last evaluated 2025-11-17.

Conditions:
CFTR-related disorder (CFTR-RD). Also called: CFTR-related condition; CFTR-related disorders. Identifiers: MedGen C5924204, MONDO:7770004.
Cystic fibrosis (CF). Also called: MUCOVISCIDOSIS. Identifiers: Orphanet 586, MedGen C0010674, MONDO:0009061, OMIM 219700. Disease mechanism: loss of function.

Allele frequency attached by ClinVar (database versions not stated): TOPMed 0.00002.
gnomAD v4.1: 5 of 1,613,806 alleles (0.00031%); highest among the groups gnomAD compares: East Asian, 0.0089%; no homozygotes.

Submissions (4):

Labcorp Genetics (formerly Invitae), Labcorp
Classification: Uncertain significance for Cystic fibrosis. Last evaluated: 2025-11-17. Review status: criteria provided, single submitter. Criteria: Invitae Variant Classification Sherloc (09022015). Collection method: clinical testing. Allele origin: germline.
Comment: This sequence change replaces proline, which is neutral and non-polar, with alanine, which is neutral and non-polar, at codon 676 of the CFTR protein (p.Pro676Ala). This variant is present in population databases (rs762888022, gnomAD 0.02%). This variant has not been reported in the literature in individuals affected with CFTR-related conditions. ClinVar contains an entry for this variant (Variation ID: 820539). Invitae Evidence Modeling of protein sequence and biophysical properties (such as structural, functional, and spatial information, amino acid conservation, physicochemical variation, residue mobility, and thermodynamic stability) indicates that this missense variant is not expected to disrupt CFTR protein function with a negative predictive value of 80%. In summary, the available evidence is currently insufficient to determine the role of this variant in disease. Therefore, it has been classified as a Variant of Uncertain Significance.

PreventionGenetics, part of Exact Sciences
Classification: Uncertain significance for CFTR-related condition. Last evaluated: 2023-02-06. Review status: criteria provided, single submitter. Criteria: ACMG Guidelines, 2015. Collection method: clinical testing. Allele origin: germline.
Comment: The CFTR c.2026C>G variant is predicted to result in the amino acid substitution p.Pro676Ala. To our knowledge, this variant has not been reported in the literature. This variant is reported in 0.022% of alleles in individuals of East Asian descent in gnomAD. At this time, the clinical significance of this variant is uncertain due to the absence of conclusive functional and genetic evidence.

Genome-Nilou Lab
Classification: Uncertain significance for Cystic fibrosis. Last evaluated: 2021-07-22. Review status: criteria provided, single submitter. Criteria: ACMG Guidelines, 2015. Collection method: clinical testing. Allele origin: germline. Affected: no.

Ambry Genetics
Classification: Likely benign for Cystic fibrosis. Last evaluated: 2019-07-24. Review status: criteria provided, single submitter. Criteria: Ambry Variant Classification Scheme 2023. Collection method: clinical testing. Allele origin: germline.